The following is an entry in ClinVar:

NM_004958.4(MTOR):c.2128C>T (p.Leu710=)

Gene: MTOR (mechanistic target of rapamycin kinase; minus strand). Cytogenetic location: 1p36.22.
Variant type: single nucleotide variant.
Coding change: c.2128C>T on transcript NM_004958.4 (MANE Select); coding-DNA position 2128, C replaced by T.
Protein change: p.Leu710=; no amino-acid change (leucine 710 retained).
Molecular consequence: synonymous variant.
Genome position (GRCh38, 1-based): chr1:11,237,923, G>A on the plus strand (C>T on the coding strand, the complement: MTOR is on the minus strand). VCF-style: chr1-11237923-G-A. GRCh37 (hg19) VCF-style: chr1-11297980-G-A.
Other names: c.2128C>T, p.Leu710= (NM_001386500.1); c.880C>T, p.Leu294= (NM_001386501.1).
Identifiers: ClinVar variation 3768841 (VCV003768841.2).

ClinVar aggregate classification (germline): Likely benign. Review status: criteria provided, multiple submitters, no conflicts (2 of 4 stars). 2 submissions from 2 submitters: Likely benign (2). Last evaluated 2025-09-17.

gnomAD v4.1: 11 of 1,614,166 alleles (0.00068%); highest among the groups gnomAD compares: South Asian, 0.0011%; no homozygotes.

Submissions (2):

Labcorp Genetics (formerly Invitae), Labcorp
Classification: Likely benign. Last evaluated: 2025-09-17. Review status: criteria provided, single submitter. Criteria: Invitae Variant Classification Sherloc (09022015). Collection method: clinical testing. Allele origin: germline.

Women's Health and Genetics/Laboratory Corporation of America, LabCorp
Classification: Likely benign. Last evaluated: 2025-02-24. Review status: criteria provided, single submitter. Criteria: LabCorp Variant Classification Summary - May 2015. Collection method: clinical testing. Allele origin: germline.
Comment: Variant summary: MTOR c.2128C>T alters a conserved nucleotide resulting in a synonymous change. Consensus agreement among computation tools predict no significant impact on normal splicing. However, these predictions have yet to be confirmed by functional studies. The variant was absent in 250840 control chromosomes. The available data on variant occurrences in the general population are insufficient to allow any conclusion about variant significance. To our knowledge, no occurrence of c.2128C>T in individuals affected with Smith-Kingsmore Syndrome and no experimental evidence demonstrating its impact on protein function have been reported. No submitters have cited clinical-significance assessments for this variant to ClinVar. Based on the evidence outlined above, the variant was classified as likely benign.